The following is an entry in ClinVar:

ClinVar aggregate classification (germline): Pathogenic (1 of 4 stars; one submission).

Conditions:
Fabry disease. Also called: Fabry's disease; ALPHA-GALACTOSIDASE A DEFICIENCY; ANDERSON-FABRY DISEASE; CERAMIDE TRIHEXOSIDASE DEFICIENCY; GLA DEFICIENCY; HEREDITARY DYSTOPIC LIPIDOSIS. Identifiers: Orphanet 324, MedGen C0002986, MONDO:0010526, OMIM 301500, HP:0001071. Disease mechanism: Fabry disease is due to inactivating mutations in the X-linked GLA gene resulting in deficiency of the enzyme Alpha Galactosidase-A., loss of function.

Submission:

Labcorp Genetics (formerly Invitae), Labcorp
Classification: Pathogenic for Fabry disease. Last evaluated: 2023-11-14. Review status: criteria provided, single submitter. Criteria: Invitae Variant Classification Sherloc (09022015). Collection method: clinical testing. Allele origin: germline.
Comment: This sequence change creates a premature translational stop signal (p.Thr282Asnfs*17) in the GLA gene. It is expected to result in an absent or disrupted protein product. Loss-of-function variants in GLA are known to be pathogenic (PMID: 10666480, 12175777). This variant is not present in population databases (gnomAD no frequency). This variant has not been reported in the literature in individuals affected with GLA-related conditions. ClinVar contains an entry for this variant (Variation ID: 2022103). For these reasons, this variant has been classified as Pathogenic.

Literature cited by the submitters: PubMed 10666480; PubMed 12175777.

NM_000169.3(GLA):c.842dup (p.Thr282fs)

Genes: GLA (galactosidase alpha; minus strand), RPL36A-HNRNPH2 (RPL36A-HNRNPH2 readthrough; plus strand). Cytogenetic location: Xq22.1.
Variant type: Duplication.
Coding change: c.842dup on transcript NM_000169.3 (MANE Select); coding-DNA position 842, one base duplicated (T; older notation c.842dupT).
Protein change: p.Thr282fs; shifts the reading frame from threonine 282.
Molecular consequence: frameshift variant. On other transcripts: non-coding transcript variant (3), intron variant (2).
Genome position (GRCh38, 1-based): chrX:101,398,527, A duplicated on the plus strand (T on the coding strand, the reverse complement: GLA is on the minus strand). VCF-style (leftmost placement, unchanged base first): chrX-101398526-T-TA. GRCh37 (hg19) VCF-style: chrX-100653514-T-TA.
Other names: c.965dup, p.Thr323fs (NM_001406747.1); c.842dup, p.Thr282fs (NM_001406748.1); c.300+3070dup (NM_001199973.2); c.177+6705dup (NM_001199974.2); short protein forms T282fs, T323fs.
Identifiers: ClinVar variation 2022103 (VCV002022103.4), dbSNP rs2520864097, ClinGen allele CA2580100108.
Genomic context (GRCh38, chrX:101,398,526, plus strand): 5'-TCGGAGGTCATTAGACATGAATAAAGGAGCAGCCATGATAGCCCAGAGGGCCATCTGAGT[T>TA]ACTTGCTGATTCCAGCTGAGGCCAAAGTTGCCAATCACTAACTGAGAAAAAGAATGAAAT-3'